The following is an entry in ClinVar:

NM_000075.4(CDK4):c.219-6G>T

Gene: CDK4 (cyclin dependent kinase 4; minus strand). Cytogenetic location: 12q14.1.
Variant type: single nucleotide variant.
Coding change: c.219-6G>T on transcript NM_000075.4 (MANE Select); 6 bases into the intron before coding-DNA position 219, G replaced by T.
Molecular consequence: intron variant.
Genome position (GRCh38, 1-based): chr12:57,751,348, C>A on the plus strand (G>T on the coding strand, the complement: CDK4 is on the minus strand). VCF-style: chr12-57751348-C-A. GRCh37 (hg19) VCF-style: chr12-58145131-C-A.
Identifiers: ClinVar variation 3378782 (VCV003378782.1).
Genomic context (GRCh38, chr12:57,751,348, plus strand): 5'-CAGGGTTACCTTGATCTCCCGGTCAGTTCGGGATGTGGCACAGACGTCCATCAGCCTGAC[C>A]AGAGTAAATGCTCACTTTTCAATCCCCTTTAACCCAACATGGCCTCTCATTATTTCCTCA-3'

ClinVar aggregate classification (germline): Likely benign (1 of 4 stars; one submission).

Conditions:
Melanoma, cutaneous malignant, susceptibility to, 3. Also called: Cutaneous malignant melanoma 3. Identifiers: Orphanet 618, MedGen C1836892, MONDO:0012183, OMIM 609048.

Submission:

Myriad Genetics, Inc.
Classification: Likely benign for Melanoma, cutaneous malignant, susceptibility to, 3. Last evaluated: 2024-09-25. Review status: criteria provided, single submitter. Criteria: Myriad Autosomal Dominant, Autosomal Recessive and X-Linked Classification Criteria (2023). Collection method: clinical testing. Allele origin: unknown.
Comment: This variant is considered likely benign. This variant is intronic and is not expected to impact mRNA splicing.